The following is an entry in ClinVar:

NM_006015.6(ARID1A):c.1029_1040dup (p.Ala349_Ser350insAlaAlaAlaAla)

Genes: ARID1A (AT-rich interaction domain 1A; plus strand), LOC129929837 (ATAC-STARR-seq lymphoblastoid silent region 489; plus strand). Cytogenetic location: 1p36.11.
Variant type: Duplication.
Coding change: c.1029_1040dup on transcript NM_006015.6 (MANE Select); coding-DNA positions 1029 to 1040, 12 bases duplicated (AGCTGCGGCGGC).
Protein change: p.Ala349_Ser350insAlaAlaAlaAla.
Molecular consequence: inframe insertion.
Genome position (GRCh38, 1-based): chr1:26,697,432-26,697,443, AGCTGCGGCGGC duplicated; duplicating any 12 consecutive bases within chr1:26,697,424-26,697,443 gives the same sequence; the c. name uses the placement nearest the transcript's 3' end. VCF-style (leftmost placement, unchanged base first): chr1-26697423-G-GGCGGCGGCAGCT. GRCh37 (hg19) VCF-style: chr1-27023914-G-GGCGGCGGCAGCT.
Other names: c.1029_1040dup, p.Ala349_Ser350insAlaAlaAlaAla (NM_139135.4).
Identifiers: ClinVar variation 1989537 (VCV001989537.28), dbSNP rs997979656, ClinGen allele CA19641938.

ClinVar aggregate classification (germline): Conflicting classifications of pathogenicity. Review status: criteria provided, conflicting classifications (1 of 4 stars). 2 submissions from 2 submitters: Uncertain significance (1); Likely benign (1). Last evaluated 2025-10-01.

Submissions (2):

Labcorp Genetics (formerly Invitae), Labcorp
Classification: Likely benign. Last evaluated: 2025-10-01. Review status: criteria provided, single submitter. Criteria: Invitae Variant Classification Sherloc (09022015). Collection method: clinical testing. Allele origin: germline.

CeGaT Center for Human Genetics Tuebingen
Classification: Uncertain significance. Last evaluated: 2023-08-01. Review status: criteria provided, single submitter. Criteria: CeGaT Center For Human Genetics Tuebingen Variant Classification Criteria Version 2. Collection method: clinical testing. Allele origin: germline. Affected: yes. Observed: 1 variant allele.
Comment: ARID1A: PM2, BP3